The following is an entry in ClinVar:

ClinVar aggregate classification (germline): Pathogenic (1 of 4 stars; one submission).

Submission:

Labcorp Genetics (formerly Invitae), Labcorp
Classification: Pathogenic. Last evaluated: 2022-10-28. Review status: criteria provided, single submitter. Criteria: Invitae Variant Classification Sherloc (09022015). Collection method: clinical testing. Allele origin: germline.
Comment: This sequence change creates a premature translational stop signal (p.Arg545*) in the ESCO2 gene. While this is not anticipated to result in nonsense mediated decay, it is expected to disrupt the last 57 amino acid(s) of the ESCO2 protein. This variant is not present in population databases (gnomAD no frequency). This variant has not been reported in the literature in individuals affected with ESCO2-related conditions. This variant disrupts a region of the ESCO2 protein in which other variant(s) (p.Arg552*) have been determined to be pathogenic (PMID: 32255174, 32977150). This suggests that this is a clinically significant region of the protein, and that variants that disrupt it are likely to be disease-causing. For these reasons, this variant has been classified as Pathogenic.

Literature cited by the submitters: PubMed 32255174; PubMed 32977150.

NM_001017420.3(ESCO2):c.1633A>T (p.Arg545Ter)

Gene: ESCO2 (establishment of sister chromatid cohesion N-acetyltransferase 2; plus strand). Cytogenetic location: 8p21.1.
Variant type: single nucleotide variant.
Coding change: c.1633A>T on transcript NM_001017420.3 (MANE Select); coding-DNA position 1633, A replaced by T.
Protein change: p.Arg545Ter; replaces arginine 545 with a stop codon.
Molecular consequence: nonsense.
Genome position (GRCh38, 1-based): chr8:27,799,676, A>T. VCF-style: chr8-27799676-A-T. GRCh37 (hg19) VCF-style: chr8-27657193-A-T.
Other names: short protein forms R545*.
Identifiers: ClinVar variation 2414962 (VCV002414962.6), dbSNP rs1334506794, ClinGen allele CA370827461.
Genomic context (GRCh38, chr8:27,799,676, plus strand): 5'-TCAGATGTACCAGAACCTGCAGTCTGTGGGATAAGTAGAATCTGGGTTTTCAGACTGAAG[A>T]GAAGAAAGCGCATTGCAAGACGACTGGTTGATACCCTCAGGTAAGAAATAAAATGGATCT-3'